The following is an entry in ClinVar:

NM_004153.4(ORC1):c.628A>G (p.Lys210Glu)

Gene: ORC1 (origin recognition complex subunit 1; minus strand). Cytogenetic location: 1p32.3.
Variant type: single nucleotide variant.
Coding change: c.628A>G on transcript NM_004153.4 (MANE Select); coding-DNA position 628, A replaced by G.
Protein change: p.Lys210Glu; replaces lysine 210 with glutamic acid.
Molecular consequence: missense variant.
Genome position (GRCh38, 1-based): chr1:52,396,139, T>C on the plus strand (A>G on the coding strand, the complement: ORC1 is on the minus strand). VCF-style: chr1-52396139-T-C. GRCh37 (hg19) VCF-style: chr1-52861811-T-C.
Other names: c.628A>G, p.Lys210Glu (NM_001190818.2, NM_001190819.2); short protein forms K210E.
Identifiers: ClinVar variation 1367962 (VCV001367962.6), dbSNP rs1158076302, ClinGen allele CA340362747.

ClinVar aggregate classification (germline): Uncertain significance (1 of 4 stars; one submission).

gnomAD v4.1: 1 of 1,614,202 alleles (0.000062%); highest among the groups gnomAD compares: Non-Finnish European, 0.000085%; no homozygotes.

Submission:

Labcorp Genetics (formerly Invitae), Labcorp
Classification: Uncertain significance. Last evaluated: 2022-10-13. Review status: criteria provided, single submitter. Criteria: Invitae Variant Classification Sherloc (09022015). Collection method: clinical testing. Allele origin: germline.
Comment: This variant is present in population databases (no rsID available, gnomAD 0.0009%). This sequence change replaces lysine, which is basic and polar, with glutamic acid, which is acidic and polar, at codon 210 of the ORC1 protein (p.Lys210Glu). This variant has not been reported in the literature in individuals affected with ORC1-related conditions. ClinVar contains an entry for this variant (Variation ID: 1367962). Advanced modeling of protein sequence and biophysical properties (such as structural, functional, and spatial information, amino acid conservation, physicochemical variation, residue mobility, and thermodynamic stability) performed at Invitae indicates that this missense variant is not expected to disrupt ORC1 protein function. In summary, the available evidence is currently insufficient to determine the role of this variant in disease. Therefore, it has been classified as a Variant of Uncertain Significance.